The following is an entry in ClinVar:

ClinVar aggregate classification (germline): Uncertain significance (1 of 4 stars; one submission).

Conditions:
Hereditary cancer-predisposing syndrome. Also called: Neoplastic Syndromes, Hereditary; Tumor predisposition; Hereditary Cancer Syndrome; Hereditary neoplastic syndrome. Identifiers: Orphanet 140162, MedGen C0027672, MeSH D009386, MONDO:0015356.

gnomAD v4.1: 2 of 1,613,582 alleles (0.00012%); highest among the groups gnomAD compares: Non-Finnish European, 0.00017%; no homozygotes.

Submission:

Ambry Genetics
Classification: Uncertain significance for Hereditary cancer-predisposing syndrome. Last evaluated: 2025-07-08. Review status: criteria provided, single submitter. Criteria: Ambry Variant Classification Scheme 2023. Collection method: clinical testing. Allele origin: germline.
Comment: The p.A1474V variant (also known as c.4421C>T), located in coding exon 12 of the BRCA1 gene, results from a C to T substitution at nucleotide position 4421. The alanine at codon 1474 is replaced by valine, an amino acid with similar properties. This amino acid position is not well conserved in available vertebrate species. In addition, the in silico prediction for this alteration is inconclusive. Based on the available evidence, the clinical significance of this variant remains unclear.

NM_007294.4(BRCA1):c.4421C>T (p.Ala1474Val)

Gene: BRCA1 (BRCA1 DNA repair associated; minus strand). Cytogenetic location: 17q21.31.
Variant type: single nucleotide variant.
Coding change: c.4421C>T on transcript NM_007294.4 (MANE Select); coding-DNA position 4421, C replaced by T.
Protein change: p.Ala1474Val; replaces alanine 1474 with valine.
Molecular consequence: missense variant. On other transcripts: intron variant (3).
Genome position (GRCh38, 1-based): chr17:43,076,551, G>A on the plus strand (C>T on the coding strand, the complement: BRCA1 is on the minus strand). VCF-style: chr17-43076551-G-A. GRCh37 (hg19) VCF-style: chr17-41228568-G-A.
Other names: c.986C>T, p.Ala329Val (NM_001408434.1, NM_001408435.1, NM_001408436.1 and 10 more transcripts); c.4208C>T, p.Ala1403Val (NM_001407896.1, NM_001407897.1, NM_001407898.1 and 12 more transcripts); c.983C>T, p.Ala328Val (NM_001408447.1, NM_001408448.1, NM_001408450.1 and 2 more transcripts); c.4205C>T, p.Ala1402Val (NM_001407915.1, NM_001407916.1, NM_001407917.1 and 1 more transcripts); c.971C>T, p.Ala324Val (NM_001408453.1, NM_001408454.1, NM_001408455.1 and 3 more transcripts); c.977C>T, p.Ala326Val (NM_001408451.1); c.4421C>T, p.Ala1474Val (NM_001407593.1, NM_001407594.1, NM_001407596.1 and 8 more transcripts); c.4418C>T, p.Ala1473Val (NM_001407610.1, NM_001407611.1, NM_001407612.1 and 17 more transcripts); and 71 more; short protein forms A1177V, A1305V, A1384V, A1385V, A1425V, A1427V, A1446V, A1448V.
Identifiers: ClinVar variation 4215080 (VCV004215080.1).